The following is an entry in ClinVar:

NM_177438.3(DICER1):c.2614G>A (p.Ala872Thr)

Gene: DICER1 (dicer 1, ribonuclease III; minus strand). Cytogenetic location: 14q32.13.
Variant type: single nucleotide variant.
Coding change: c.2614G>A on transcript NM_177438.3 (MANE Select); coding-DNA position 2614, G replaced by A.
Protein change: p.Ala872Thr; replaces alanine 872 with threonine.
Molecular consequence: missense variant.
Genome position (GRCh38, 1-based): chr14:95,107,916, C>T on the plus strand (G>A on the coding strand, the complement: DICER1 is on the minus strand). VCF-style: chr14-95107916-C-T. GRCh37 (hg19) VCF-style: chr14-95574253-C-T.
Other names: NM_177438.2(DICER1):c.2614G>A; p.Ala872Thr; c.2614G>A, p.Ala872Thr (NM_001195573.1, NM_001271282.3, NM_001291628.2 and 1 more transcripts); short protein forms A872T.
Identifiers: ClinVar variation 133967 (VCV000133967.68), dbSNP rs149242330, ClinGen allele CA158264.

ClinVar aggregate classification (germline): Benign. Review status: reviewed by expert panel (3 of 4 stars). 18 submissions from 18 submitters: Benign (1). 17 of the submissions do not count toward it. Last evaluated 2022-05-18.

Conditions:
DICER1-related disorder. Also called: DICER1-related condition.
DICER1-related tumor predisposition. Also called: DICER1 syndrome; DICER1-related pleuropulmonary blastoma cancer predisposition syndrome. Identifiers: Orphanet 284343, MedGen C3839822, MONDO:0100216.
Hereditary cancer-predisposing syndrome. Also called: Neoplastic Syndromes, Hereditary; Tumor predisposition; Hereditary neoplastic syndrome; Hereditary Cancer Syndrome. Identifiers: Orphanet 140162, MedGen C0027672, MeSH D009386, MONDO:0015356.
Pleuropulmonary blastoma (PPB). Identifiers: Orphanet 64742, MedGen C1266144, MONDO:0011014, OMIM 601200, HP:0100528.

Allele frequency attached by ClinVar (database versions not stated): TOPMed 0.00072; gnomAD 0.00073 and 0.00074; gnomAD exomes 0.00083; ExAC 0.00084; ESP Exome Variant Server 0.00085; 1000 Genomes Project 30x 0.00094; 1000 Genomes Project 0.00100.
gnomAD v4.1: 1,497 of 1,613,978 alleles (0.093%); highest among the groups gnomAD compares: Middle Eastern, 0.15%; 3 homozygotes.

Submissions (18):

ClinGen DICER1 and miRNA-Processing Gene Variant Curation Expert Panel, ClinGen
Classification: Benign for DICER1-related tumor predisposition. Last evaluated: 2022-05-18. Review status: reviewed by expert panel. Criteria: ClinGen DICER1 ACMG Specifications DICER1 v1. Collection method: curation. Allele origin: germline. Inheritance: Autosomal dominant inheritance.
Comment: The NM_177438.2:c.2614G>A (p.Ala872Thr) variant in DICER1 has the highest population minor allele frequency in gnomAD v2.1.1 is 0.00119 in non-Finnish European population, which is higher than the ClinGen DICER1 VCEP threshold (>0.0003) for BS1, and therefore meets this criterion (BS1). This variant has been observed in 40 or more unrelated females without tumors through age 50 in at least one testing laboratory (Internal lab contributors: 61756, 500031) and has been observed in a homozygous state in 5 healthy individuals (Internal lab contributors: 26957, 500031)(BS2). In vitro cleavage assay in HEK293 cells showed that this variant produces both 5p and 3p microRNAs from a pre-miRNA, indicating that this variant is unlikely to impact protein function (PMID: 31342592)(BS3_Supporting). The computational predictor REVEL gives a score of 0.488, which is below the threshold of 0.5, and the splice site predictors MaxEntScan and SpliceAI indicate that the variant has no impact on splicing, evidence that does not predict a damaging effect on DICER1 function (BP4). In summary, this variant meets the criteria to be classified as benign for DICER1 syndrome based on the ACMG/AMP criteria applied, as specified by the ClinGen DICER1 VCEP: BS1, BS2, BS3_Supporting, BP4. (Bayesian Points: -10; VCEP specifications version 1; 02/11/2022).

CeGaT Center for Human Genetics Tuebingen
Classification: Likely benign. Last evaluated: 2026-09-01. Review status: criteria provided, single submitter. Criteria: CeGaT Center For Human Genetics Tuebingen Variant Classification Criteria Version 2. Collection method: clinical testing. Allele origin: germline. Affected: yes. Observed: 6 variant alleles. Not counted in ClinVar's aggregate classification.
Comment: DICER1: BS1

Myriad Genetics, Inc.
Classification: Likely benign for DICER1-related tumor predisposition. Last evaluated: 2026-04-13. Review status: criteria provided, single submitter. Criteria: Myriad Autosomal Dominant, Autosomal Recessive and X-Linked Classification Criteria (2023). Collection method: clinical testing. Allele origin: unknown. Not counted in ClinVar's aggregate classification.
Comment: This variant is considered likely benign. This variant has been observed at a population frequency that is significantly greater than expected given the associated disease prevalence and penetrance.

Labcorp Genetics (formerly Invitae), Labcorp
Classification: Benign for DICER1-related tumor predisposition. Last evaluated: 2026-02-03. Review status: criteria provided, single submitter. Criteria: Invitae Variant Classification Sherloc (09022015). Collection method: clinical testing. Allele origin: germline. Not counted in ClinVar's aggregate classification.

Quest Diagnostics Nichols Institute San Juan Capistrano
Classification: Benign. Last evaluated: 2025-09-12. Review status: criteria provided, single submitter. Criteria: Quest Diagnostics criteria. Collection method: clinical testing. Allele origin: unknown. Not counted in ClinVar's aggregate classification.

Mayo Clinic Laboratories, Mayo Clinic
Classification: Benign. Last evaluated: 2025-08-27. Review status: criteria provided, single submitter. Criteria: ACMG Guidelines, 2015. Collection method: clinical testing. Allele origin: germline. Observed: 2 variant alleles. Not counted in ClinVar's aggregate classification.
Comment: BS1, BS2, BS3_supporting, BP4

Center for Genomic Medicine, Rigshospitalet, Copenhagen University Hospital
Classification: Likely benign. Last evaluated: 2025-03-04. Review status: criteria provided, single submitter. Criteria: ACMG Guidelines, 2015. Collection method: clinical testing. Allele origin: germline. Not counted in ClinVar's aggregate classification.

Blueprint Genetics
Classification: Likely benign. Last evaluated: 2024-11-13. Review status: criteria provided, single submitter. Criteria: ACMG Guidelines, 2015. Collection method: clinical testing. Allele origin: germline. Not counted in ClinVar's aggregate classification.

ARUP Laboratories, Molecular Genetics and Genomics, ARUP Laboratories
Classification: Likely benign. Last evaluated: 2023-11-09. Review status: criteria provided, single submitter. Criteria: ARUP Molecular Germline Variant Investigation Process 2024. Collection method: clinical testing. Allele origin: germline. Not counted in ClinVar's aggregate classification.

KCCC/NGS Laboratory, Kuwait Cancer Control Center
Classification: Benign for Pleuropulmonary blastoma. Last evaluated: 2023-07-07. Review status: criteria provided, single submitter. Criteria: ACMG Guidelines, 2015. Collection method: clinical testing. Allele origin: germline. Affected: yes. Not counted in ClinVar's aggregate classification.

Genetic Services Laboratory, University of Chicago
Classification: Likely benign. Last evaluated: 2021-10-04. Review status: criteria provided, single submitter. Criteria: ACMG Guidelines, 2015. Collection method: clinical testing. Allele origin: germline. Affected: no. Not counted in ClinVar's aggregate classification.

Sema4
Classification: Benign for Hereditary cancer-predisposing syndrome. Last evaluated: 2020-02-24. Review status: criteria provided, single submitter. Criteria: Sema4 Curation Guidelines. Collection method: curation. Allele origin: germline. Not counted in ClinVar's aggregate classification.

Foulkes Cancer Genetics LDI, Lady Davis Institute for Medical Research
Classification: Likely benign. Last evaluated: 2019-07-01. Review status: criteria provided, single submitter. Criteria: ACMG Guidelines, 2015. Collection method: curation. Allele origin: germline, unknown. Affected: yes. Observed: 2 variant alleles. Not counted in ClinVar's aggregate classification.
Comment: ACMG criteria met: PP3, BS2, BS3, BP1, BP6

Ambry Genetics
Classification: Likely benign for Hereditary cancer-predisposing syndrome. Last evaluated: 2018-10-29. Review status: criteria provided, single submitter. Criteria: Ambry Variant Classification Scheme 2023. Collection method: clinical testing. Allele origin: germline. Not counted in ClinVar's aggregate classification.

Illumina Laboratory Services, Illumina
Classification: Benign for Pleuropulmonary blastoma. Last evaluated: 2018-01-13. Review status: criteria provided, single submitter. Criteria: ICSL Variant Classification Criteria 13 December 2019. Collection method: clinical testing. Allele origin: germline. Not counted in ClinVar's aggregate classification.
Comment: This variant was observed in the ICSL laboratory as part of a predisposition screen in an ostensibly healthy population. It had not been previously curated by ICSL or reported in the Human Gene Mutation Database (HGMD: prior to June 1st, 2018), and was therefore a candidate for classification through an automated scoring system. Utilizing variant allele frequency, disease prevalence and penetrance estimates, and inheritance mode, an automated score was calculated to assess if this variant is too frequent to cause the disease. Based on the score and internal cut-off values, a variant classified as benign is not then subjected to further curation. The score for this variant resulted in a classification of benign for this disease.

GeneDx
Classification: Likely benign. Last evaluated: 2017-08-02. Review status: criteria provided, single submitter. Criteria: GeneDx Variant Classification (06012015). Collection method: clinical testing. Allele origin: germline. Affected: yes. Not counted in ClinVar's aggregate classification.
Comment: This variant is considered likely benign or benign based on one or more of the following criteria: it is a conservative change, it occurs at a poorly conserved position in the protein, it is predicted to be benign by multiple in silico algorithms, and/or has population frequency not consistent with disease.

PreventionGenetics, part of Exact Sciences
Classification: Likely benign for DICER1-related condition. Last evaluated: 2020-09-29. Review status: no assertion criteria provided. Collection method: clinical testing. Allele origin: germline. Not counted in ClinVar's aggregate classification.
Comment: This variant is classified as likely benign based on ACMG/AMP sequence variant interpretation guidelines (Richards et al. 2015 PMID: 25741868, with internal and published modifications).

ITMI
No classification provided. Condition: AllHighlyPenetrant. Last evaluated: 2013-09-19. Review status: no classification provided. Collection method: reference population. Allele origin: germline. Not counted in ClinVar's aggregate classification.
Comment: Please see associated publication for description of ethnicities

Literature cited by the submitters: PubMed 31342592 (cited by 3 submitters); PubMed 33718253 (cited by Quest Diagnostics Nichols Institute San Juan Capistrano); PubMed 33503190 (cited by Quest Diagnostics Nichols Institute San Juan Capistrano); PubMed 38084291 (cited by Quest Diagnostics Nichols Institute San Juan Capistrano); PubMed 24481001 (cited by Quest Diagnostics Nichols Institute San Juan Capistrano); PubMed 26517685 (cited by Quest Diagnostics Nichols Institute San Juan Capistrano); PubMed 23620094 (cited by Quest Diagnostics Nichols Institute San Juan Capistrano and Foulkes Cancer Genetics LDI, Lady Davis Institute for Medical Research); PubMed 24728327 (cited by Quest Diagnostics Nichols Institute San Juan Capistrano and ITMI); PubMed 28524158 (cited by Quest Diagnostics Nichols Institute San Juan Capistrano and Foulkes Cancer Genetics LDI, Lady Davis Institute for Medical Research).